The following is an entry in ClinVar:

NM_030625.3(TET1):c.3332_3336del (p.Asn1111fs)

Gene: TET1 (tet methylcytosine dioxygenase 1; plus strand). Cytogenetic location: 10q21.3.
Variant type: Microsatellite.
Coding change: c.3332_3336del on transcript NM_030625.3 (MANE Select); coding-DNA positions 3332 to 3336, 5 bases deleted (ATGTA; older notation c.3332_3336delATGTA).
Protein change: p.Asn1111fs; shifts the reading frame from asparagine 1111.
Molecular consequence: frameshift variant. On other transcripts: intron variant (4).
Genome position (GRCh38, 1-based): chr10:68,646,061-68,646,065, ATGTA deleted; deleting any 5 consecutive bases within chr10:68,646,056-68,646,065 gives the same sequence; the c. name uses the placement nearest the transcript's 3' end. VCF-style (leftmost placement, unchanged base first): chr10-68646055-CATGTA-C. GRCh37 (hg19) VCF-style: chr10-70405812-CATGTA-C.
Other names: c.1319_1323del, p.Asn440fs (NM_001406371.1, NM_001406372.1, NM_001406369.1 and 2 more transcripts); c.1969-20984_1969-20980del (NM_001406373.1, NM_001406374.1); c.-80-5785_-80-5781del (NM_001406375.1, NM_001406376.1); c.3332_3336del, p.Asn1111fs (NM_001406365.1); c.1421_1425del, p.Asn474fs (NM_001406367.1); short protein forms N1111fs, N440fs, N474fs.
Identifiers: ClinVar variation 3389883 (VCV003389883.14).

ClinVar aggregate classification (germline): Uncertain significance (1 of 4 stars; one submission).

Submission:

CeGaT Center for Human Genetics Tuebingen
Classification: Uncertain significance. Last evaluated: 2024-11-01. Review status: criteria provided, single submitter. Criteria: CeGaT Center For Human Genetics Tuebingen Variant Classification Criteria Version 2. Collection method: clinical testing. Allele origin: germline. Affected: yes. Observed: 1 variant allele.
Comment: TET1: PM2